The following is an entry in ClinVar:

ClinVar aggregate classification (germline): Pathogenic/Likely pathogenic. Review status: criteria provided, multiple submitters, no conflicts (2 of 4 stars). 8 submissions from 7 submitters: Pathogenic (6); Likely pathogenic (2). Last evaluated 2026-03-01.

Conditions:
CFTR-related disorder (CFTR-RD). Also called: CFTR-related disorders; CFTR-related condition. Identifiers: MedGen C5924204, MONDO:7770004.
Bronchiectasis with or without elevated sweat chloride 1 (BESC1). Also called: Cystic Fibrosis-Like Syndrome. Identifiers: Orphanet 60033, MedGen C2749757, MONDO:0008887, OMIM 211400.
Cystic fibrosis (CF). Also called: MUCOVISCIDOSIS. Identifiers: Orphanet 586, MedGen C0010674, MONDO:0009061, OMIM 219700. Disease mechanism: loss of function.
Congenital bilateral aplasia of vas deferens from CFTR mutation (CBAVD). Identifiers: Orphanet 48, MedGen C0403814, MONDO:0010178, OMIM 277180. Disease mechanism: loss of function.

Submissions (8):

CeGaT Center for Human Genetics Tuebingen
Classification: Pathogenic. Last evaluated: 2026-03-01. Review status: criteria provided, single submitter. Criteria: CeGaT Center For Human Genetics Tuebingen Variant Classification Criteria Version 2. Collection method: clinical testing. Allele origin: germline. Affected: yes. Observed: 1 variant allele.
Comment: CFTR: PVS1, PM2, PM3:Supporting

Natera, Inc.
Classification: Pathogenic for CFTR-related disorders. Last evaluated: 2024-10-18. Review status: criteria provided, single submitter. Criteria: Natera Variant Classification Schema (03/2026). Collection method: clinical testing. Allele origin: germline.
Comment: The c.1469delT variant in CFTR is a frameshift variant predicted to shift the reading frame beginning at codon 490 and leads to a stop codon 37 codons downstream. This variant is expected to result in nonsense mediated decay, truncation, or a dysfunctional protein product. This variant is rare in the general population with a frequency below the threshold expected for the associated phenotype(s). This variant has been observed in one or more individuals affected with the associated recessive disease, as either homozygous or compound heterozygous with a second variant (PMID: 36437230, 34949574). Given the available evidence, this variant is classified as Pathogenic.

Baylor Genetics
Classification: Likely pathogenic for Bronchiectasis with or without elevated sweat chloride 1. Last evaluated: 2023-10-27. Review status: criteria provided, single submitter. Criteria: ACMG Guidelines, 2015. Collection method: clinical testing. Allele origin: unknown.

Women's Health and Genetics/Laboratory Corporation of America, LabCorp
Classification: Pathogenic for Cystic fibrosis. Last evaluated: 2023-08-24. Review status: criteria provided, single submitter. Criteria: LabCorp Variant Classification Summary - May 2015. Collection method: clinical testing. Allele origin: germline.
Comment: Variant summary: CFTR c.1469delT (p.Phe490SerfsX37) results in a premature termination codon, predicted to cause a truncation of the encoded protein or absence of the protein due to nonsense mediated decay, which are commonly known mechanisms for disease. Variants downstream of this position have been classified as pathogenic by our laboratory. The variant allele was found at a frequency of 4e-06 in 251354 control chromosomes. c.1469delT has been reported in the literature in individuals affected with Cystic Fibrosis (Ahmed_2021). To our knowledge, no experimental evidence demonstrating an impact on protein function has been reported. The following publication have been ascertained in the context of this evaluation (PMID: 34949574). Two submitters have cited clinical-significance assessments for this variant to ClinVar after 2014. All submitters classified the variant as pathogenic. Based on the evidence outlined above, the variant was classified as pathogenic.

Labcorp Genetics (formerly Invitae), Labcorp
Classification: Pathogenic for Cystic fibrosis. Last evaluated: 2023-03-07. Review status: criteria provided, single submitter. Criteria: Invitae Variant Classification Sherloc (09022015). Collection method: clinical testing. Allele origin: germline.
Comment: This sequence change creates a premature translational stop signal (p.Phe490Serfs*37) in the CFTR gene. It is expected to result in an absent or disrupted protein product. Loss-of-function variants in CFTR are known to be pathogenic (PMID: 1695717, 7691345, 9725922). This variant is present in population databases (rs775663783, gnomAD 0.003%). This variant has not been reported in the literature in individuals affected with CFTR-related conditions. ClinVar contains an entry for this variant (Variation ID: 439054). For these reasons, this variant has been classified as Pathogenic.

Quest Diagnostics Nichols Institute San Juan Capistrano
Classification: Pathogenic. Last evaluated: 2020-10-14. Review status: criteria provided, single submitter. Criteria: Quest Diagnostics criteria. Collection method: clinical testing. Allele origin: unknown.
Comment: This frameshift variant causes the premature termination of CFTR protein synthesis. This variant has been reported in an individual with a clinical diagnosis of Cystic Fibrosis (CFMD). To the best of our knowledge, the variant has not been reported in the published literature. The frequency of this variant in the general population is consistent with pathogenicity. Based on the available information, the variant is classified as pathogenic.

Ambry Genetics
Classification: Pathogenic for Cystic fibrosis. Last evaluated: 2014-07-15. Review status: criteria provided, single submitter. Criteria: Ambry Variant Classification Scheme 2023. Collection method: clinical testing. Allele origin: germline.
Comment: The c.1469delT pathogenic mutation, located in coding exon 11 of the CFTR gene, results from a deletion of one nucleotide at nucleotide position 1469, causing a translational frameshift with a predicted alternate stop codon (p.F490Sfs*37). Since frameshifts are typically deleterious in nature, this alteration is interpreted as a disease-causing mutation (ACMG Recommendations for Standards for Interpretation and Reporting of Sequence Variations. Revision 2007. Genet Med. 2008;10:294).

Baylor Genetics
Classification: Likely pathogenic for Congenital bilateral aplasia of vas deferens from CFTR mutation; Cystic fibrosis. Review status: criteria provided, single submitter. Criteria: ACMG Guidelines, 2015. Collection method: clinical testing. Allele origin: germline.

Literature cited by the submitters: PubMed 36437230 (cited by Natera, Inc.); PubMed 34949574 (cited by Natera, Inc. and Women's Health and Genetics/Laboratory Corporation of America, LabCorp); PubMed 1695717 (cited by Labcorp Genetics (formerly Invitae), Labcorp); PubMed 7691345 (cited by Labcorp Genetics (formerly Invitae), Labcorp); PubMed 9725922 (cited by Labcorp Genetics (formerly Invitae), Labcorp).

NM_000492.4(CFTR):c.1469del (p.Phe490fs)

Genes: CFTR (CF transmembrane conductance regulator; plus strand), CFTR-AS1 (CFTR antisense RNA 1; minus strand). Cytogenetic location: 7q31.2.
Variant type: Deletion.
Coding change: c.1469del on transcript NM_000492.4 (MANE Select); coding-DNA position 1469, one base deleted (T; older notation c.1469delT).
Protein change: p.Phe490fs; shifts the reading frame from phenylalanine 490.
Molecular consequence: frameshift variant.
Genome position (GRCh38, 1-based): chr7:117,559,540, T deleted; the last of 2 consecutive T bases (chr7:117,559,539-117,559,540); deleting either gives the same sequence. VCF-style (leftmost placement, unchanged base first): chr7-117559538-AT-A. GRCh37 (hg19) VCF-style: chr7-117199592-AT-A.
Other names: c.1469delT (NM_000492.3); short protein forms F490fs.
Identifiers: ClinVar variation 439054 (VCV000439054.18), dbSNP rs775663783, ClinGen allele CA4451008.
Genomic context (GRCh38, chr7:117,559,538, plus strand): 5'-GGTGATTATGGGAGAACTGGAGCCTTCAGAGGGTAAAATTAAGCACAGTGGAAGAATTTC[AT>A]TCTGTTCTCAGTTTTCCTGGATTATGCCTGGCACCATTAAAGAAAATATCATCTTTGGTG-3'